The following is an entry in ClinVar:

NM_006796.3(AFG3L2):c.2195A>G (p.Glu732Gly)

Genes: AFG3L2 (AFG3 like matrix AAA peptidase subunit 2; minus strand), TUBB6 (tubulin beta 6 class V; plus strand). Cytogenetic location: 18p11.21.
Variant type: single nucleotide variant.
Coding change: c.2195A>G on transcript NM_006796.3 (MANE Select); coding-DNA position 2195, A replaced by G.
Protein change: p.Glu732Gly; replaces glutamic acid 732 with glycine.
Molecular consequence: missense variant. On other transcripts: 3 prime UTR variant (1).
Genome position (GRCh38, 1-based): chr18:12,329,764, T>C on the plus strand (A>G on the coding strand, the complement: AFG3L2 is on the minus strand). VCF-style: chr18-12329764-T-C. GRCh37 (hg19) VCF-style: chr18-12329763-T-C.
Other names: c.*581T>C (NM_001303525.2); short protein forms E732G.
Identifiers: ClinVar variation 733398 (VCV000733398.6), dbSNP rs562544252, ClinGen allele CA8896243.
Genomic context (GRCh38, chr18:12,329,764, plus strand): 5'-TCCGCAAATGGTCTGGGGCCCAAAAGTTCAACCATATCATTCTTATCTAATACTTCTTTT[T>C]CTAACAACAGAAGAGCAACCTGAAATATGAACAATTTTCATTAAATACAGTTACTCAGCA-3'
Protein context (NP_006787.2, residues 722-742): DVEKVALLLL[Glu732Gly]KEVLDKNDMV

ClinVar aggregate classification (germline): Conflicting classifications of pathogenicity. Review status: criteria provided, conflicting classifications (1 of 4 stars). 2 submissions from 2 submitters: Uncertain significance (1); Benign (1). Last evaluated 2022-08-08.

Allele frequency attached by ClinVar (database versions not stated): TOPMed below 0.00001; gnomAD 0.00004; 1000 Genomes Project 0.00120; ExAC 0.00031; 1000 Genomes Project 30x 0.00141; gnomAD exomes 0.00024 and 0.00009.
gnomAD v4.1: 140 of 1,614,044 alleles (0.0087%); highest among the groups gnomAD compares: South Asian, 0.15%; 5 homozygotes.

Submissions (2):

GeneDx
Classification: Uncertain significance. Last evaluated: 2022-08-08. Review status: criteria provided, single submitter. Criteria: GeneDx Variant Classification Process June 2021. Collection method: clinical testing. Allele origin: germline. Affected: yes.
Comment: Has not been previously published as pathogenic or benign to our knowledge; In silico analysis supports that this missense variant has a deleterious effect on protein structure/function

Labcorp Genetics (formerly Invitae), Labcorp
Classification: Benign. Last evaluated: 2017-12-28. Review status: criteria provided, single submitter. Criteria: Invitae Variant Classification Sherloc (09022015). Collection method: clinical testing. Allele origin: germline.